The following is an entry in ClinVar:

ClinVar aggregate classification (germline): Uncertain significance (1 of 4 stars; one submission).

Conditions:
Joubert syndrome. Also called: CEREBELLOPARENCHYMAL DISORDER IV; JOUBERT-BOLTSHAUSER SYNDROME; Familial aplasia of the vermis. Identifiers: Orphanet 475, MedGen C5979921, MONDO:0018772.

Submission:

Labcorp Genetics (formerly Invitae), Labcorp
Classification: Uncertain significance for Joubert syndrome. Last evaluated: 2022-06-25. Review status: criteria provided, single submitter. Criteria: Invitae Variant Classification Sherloc (09022015). Collection method: clinical testing. Allele origin: germline.
Comment: In summary, the available evidence is currently insufficient to determine the role of this variant in disease. Therefore, it has been classified as a Variant of Uncertain Significance. Advanced modeling of protein sequence and biophysical properties (such as structural, functional, and spatial information, amino acid conservation, physicochemical variation, residue mobility, and thermodynamic stability) performed at Invitae indicates that this missense variant is not expected to disrupt INPP5E protein function. This variant has not been reported in the literature in individuals affected with INPP5E-related conditions. This variant is not present in population databases (gnomAD no frequency). This sequence change replaces alanine, which is neutral and non-polar, with threonine, which is neutral and polar, at codon 445 of the INPP5E protein (p.Ala445Thr).

NM_019892.6(INPP5E):c.1333G>A (p.Ala445Thr)

Gene: INPP5E (inositol polyphosphate-5-phosphatase E; minus strand). Cytogenetic location: 9q34.3.
Variant type: single nucleotide variant.
Coding change: c.1333G>A on transcript NM_019892.6 (MANE Select); coding-DNA position 1333, G replaced by A.
Protein change: p.Ala445Thr; replaces alanine 445 with threonine.
Molecular consequence: missense variant.
Genome position (GRCh38, 1-based): chr9:136,432,533, C>T on the plus strand (G>A on the coding strand, the complement: INPP5E is on the minus strand). VCF-style: chr9-136432533-C-T. GRCh37 (hg19) VCF-style: chr9-139326985-C-T.
Other names: c.1330G>A, p.Ala444Thr (NM_001318502.2); short protein forms A444T, A445T.
Identifiers: ClinVar variation 2010615 (VCV002010615.4), dbSNP rs2538875978, ClinGen allele CA375563433.